The following is an entry in ClinVar:

ClinVar aggregate classification (germline): Uncertain significance (1 of 4 stars; one submission).

Conditions:
Hereditary cancer-predisposing syndrome. Also called: Tumor predisposition; Neoplastic Syndromes, Hereditary; Hereditary neoplastic syndrome; Hereditary Cancer Syndrome. Identifiers: Orphanet 140162, MedGen C0027672, MeSH D009386, MONDO:0015356.

Submission:

Ambry Genetics
Classification: Uncertain significance for Hereditary cancer-predisposing syndrome. Last evaluated: 2024-10-09. Review status: criteria provided, single submitter. Criteria: Ambry Variant Classification Scheme 2023. Collection method: clinical testing. Allele origin: germline.
Comment: The p.C74W variant (also known as c.222T>G), located in coding exon 3 of the ATM gene, results from a T to G substitution at nucleotide position 222. The cysteine at codon 74 is replaced by tryptophan, an amino acid with highly dissimilar properties. This amino acid position is not well conserved in available vertebrate species. In addition, this alteration is predicted to be tolerated by in silico analysis. Based on the available evidence, the clinical significance of this variant remains unclear.

NM_000051.4(ATM):c.222T>G (p.Cys74Trp)

Gene: ATM (ATM serine/threonine kinase; plus strand). Cytogenetic location: 11q22.3.
Variant type: single nucleotide variant.
Coding change: c.222T>G on transcript NM_000051.4 (MANE Select); coding-DNA position 222, T replaced by G.
Protein change: p.Cys74Trp; replaces cysteine 74 with tryptophan.
Molecular consequence: missense variant.
Genome position (GRCh38, 1-based): chr11:108,229,214, T>G. VCF-style: chr11-108229214-T-G. GRCh37 (hg19) VCF-style: chr11-108099941-T-G.
Other names: c.222T>G, p.Cys74Trp (NM_001351834.2, NM_001351835.2, NM_001351836.2); short protein forms C74W.
Identifiers: ClinVar variation 3451768 (VCV003451768.1).